The following is an entry in ClinVar:

ClinVar aggregate classification (germline): Uncertain significance. Review status: criteria provided, multiple submitters, no conflicts (2 of 4 stars). 2 submissions from 2 submitters: Uncertain significance (2). Last evaluated 2024-06-21.

Conditions:
Cardiovascular phenotype. Identifiers: MedGen CN230736.

Allele frequency attached by ClinVar (database versions not stated): gnomAD 0.00001.
gnomAD v4.1: 1 of 1,614,092 alleles (0.000062%); highest among the groups gnomAD compares: Non-Finnish European, 0.000085%; no homozygotes.

Submissions (2):

Ambry Genetics
Classification: Uncertain significance for Cardiovascular phenotype. Last evaluated: 2024-06-21. Review status: criteria provided, single submitter. Criteria: Ambry Variant Classification Scheme 2023. Collection method: clinical testing. Allele origin: germline.
Comment: The p.C109W variant (also known as c.327T>G), located in coding exon 4 of the ABCG8 gene, results from a T to G substitution at nucleotide position 327. The cysteine at codon 109 is replaced by tryptophan, an amino acid with highly dissimilar properties. This amino acid position is conserved. In addition, this alteration is predicted to be deleterious by in silico analysis. Based on the available evidence, the clinical significance of this variant remains unclear.

Labcorp Genetics (formerly Invitae), Labcorp
Classification: Uncertain significance. Last evaluated: 2024-05-24. Review status: criteria provided, single submitter. Criteria: Invitae Variant Classification Sherloc (09022015). Collection method: clinical testing. Allele origin: germline.
Comment: This sequence change replaces cysteine, which is neutral and slightly polar, with tryptophan, which is neutral and slightly polar, at codon 109 of the ABCG8 protein (p.Cys109Trp). This variant is not present in population databases (gnomAD no frequency). This variant has not been reported in the literature in individuals affected with ABCG8-related conditions. Advanced modeling of protein sequence and biophysical properties (such as structural, functional, and spatial information, amino acid conservation, physicochemical variation, residue mobility, and thermodynamic stability) performed at Invitae indicates that this missense variant is expected to disrupt ABCG8 protein function with a positive predictive value of 80%. In summary, the available evidence is currently insufficient to determine the role of this variant in disease. Therefore, it has been classified as a Variant of Uncertain Significance.

NM_022437.3(ABCG8):c.327T>G (p.Cys109Trp)

Gene: ABCG8 (ATP binding cassette subfamily G member 8; plus strand). Cytogenetic location: 2p21.
Variant type: single nucleotide variant.
Coding change: c.327T>G on transcript NM_022437.3 (MANE Select); coding-DNA position 327, T replaced by G.
Protein change: p.Cys109Trp; replaces cysteine 109 with tryptophan.
Molecular consequence: missense variant.
Genome position (GRCh38, 1-based): chr2:43,851,588, T>G. VCF-style: chr2-43851588-T-G. GRCh37 (hg19) VCF-style: chr2-44078727-T-G.
Other names: c.327T>G, p.Cys109Trp (NM_001357321.2); short protein forms C109W.
Identifiers: ClinVar variation 3129948 (VCV003129948.4), dbSNP rs1414612473, ClinGen allele CA346665148.